The following is an entry in ClinVar:

NM_001127453.2(GSDME):c.275T>C (p.Leu92Pro)

Gene: GSDME (gasdermin E; minus strand). Cytogenetic location: 7p15.3.
Variant type: single nucleotide variant.
Coding change: c.275T>C on transcript NM_001127453.2 (MANE Select); coding-DNA position 275, T replaced by C.
Protein change: p.Leu92Pro; replaces leucine 92 with proline.
Molecular consequence: missense variant. On other transcripts: 5 prime UTR variant (1).
Genome position (GRCh38, 1-based): chr7:24,744,691, A>G on the plus strand (T>C on the coding strand, the complement: GSDME is on the minus strand). VCF-style: chr7-24744691-A-G. GRCh37 (hg19) VCF-style: chr7-24784310-A-G.
Other names: c.-218T>C (NM_001127454.2); c.275T>C, p.Leu92Pro (NM_004403.3); short protein forms L92P.
Identifiers: ClinVar variation 1913303 (VCV001913303.5), dbSNP rs865905505, ClinGen allele CA155362868.

ClinVar aggregate classification (germline): Uncertain significance (1 of 4 stars; one submission).

Allele frequency attached by ClinVar (database versions not stated): gnomAD 0.00001; TOPMed 0.00002.
gnomAD v4.1: 7 of 1,614,026 alleles (0.00043%); highest among the groups gnomAD compares: Non-Finnish European, 0.00059%; no homozygotes.

Submission:

Labcorp Genetics (formerly Invitae), Labcorp
Classification: Uncertain significance. Last evaluated: 2024-10-22. Review status: criteria provided, single submitter. Criteria: Invitae Variant Classification Sherloc (09022015). Collection method: clinical testing. Allele origin: germline.
Comment: This sequence change replaces leucine, which is neutral and non-polar, with proline, which is neutral and non-polar, at codon 92 of the DFNA5 protein (p.Leu92Pro). This variant is not present in population databases (gnomAD no frequency). This variant has not been reported in the literature in individuals affected with DFNA5-related conditions. ClinVar contains an entry for this variant (Variation ID: 1913303). Invitae Evidence Modeling of protein sequence and biophysical properties (such as structural, functional, and spatial information, amino acid conservation, physicochemical variation, residue mobility, and thermodynamic stability) indicates that this missense variant is expected to disrupt DFNA5 protein function with a positive predictive value of 80%. In summary, the available evidence is currently insufficient to determine the role of this variant in disease. Therefore, it has been classified as a Variant of Uncertain Significance.